The following is an entry in ClinVar:

ClinVar aggregate classification (germline): Uncertain significance (1 of 4 stars; one submission).

Conditions:
Familial thoracic aortic aneurysm and aortic dissection (TAAD). Also called: Thoracic aortic aneurysms and dissections. Identifiers: Orphanet 91387, MedGen C4707243, MONDO:0019625.

Submission:

Color Diagnostics, LLC DBA Color Health
Classification: Uncertain significance for Familial thoracic aortic aneurysm and aortic dissection. Last evaluated: 2024-03-06. Review status: criteria provided, single submitter. Criteria: ACMG Guidelines, 2015. Collection method: clinical testing. Allele origin: germline.
Comment: This missense variant replaces proline with serine at codon 785 of the COL3A1 protein. Computational prediction suggests that this variant may not impact protein structure and function (internally defined REVEL score threshold <= 0.5, PMID: 27666373). Splice site prediction tools suggest that this variant may not impact RNA splicing. To our knowledge, functional studies have not been performed for this variant. This variant has not been reported in individuals affected with cardiovascular disorders in the literature. This variant has not been identified in the general population by the Genome Aggregation Database (gnomAD). The available evidence is insufficient to determine the role of this variant in disease conclusively. Therefore, this variant is classified as a Variant of Uncertain Significance.

NM_000090.4(COL3A1):c.2353C>T (p.Pro785Ser)

Genes: COL3A1 (collagen type III alpha 1 chain; plus strand), LOC126806446 (P300/CBP strongly-dependent group 1 enhancer GRCh37_chr2:189866210-189867409; plus strand). Cytogenetic location: 2q32.2.
Variant type: single nucleotide variant.
Coding change: c.2353C>T on transcript NM_000090.4 (MANE Select); coding-DNA position 2353, C replaced by T.
Protein change: p.Pro785Ser; replaces proline 785 with serine.
Molecular consequence: missense variant.
Genome position (GRCh38, 1-based): chr2:189,001,551, C>T. VCF-style: chr2-189001551-C-T. GRCh37 (hg19) VCF-style: chr2-189866277-C-T.
Other names: short protein forms P785S.
Identifiers: ClinVar variation 920320 (VCV000920320.4), dbSNP rs1688463875, ClinGen allele CA349842488.